The following is an entry in ClinVar:

NM_001387430.1(SH2B1):c.730G>T (p.Ala244Ser)

Gene: SH2B1 (SH2B adaptor protein 1; plus strand). Cytogenetic location: 16p11.2.
Variant type: single nucleotide variant.
Coding change: c.730G>T on transcript NM_001387430.1 (MANE Select); coding-DNA position 730, G replaced by T.
Protein change: p.Ala244Ser; replaces alanine 244 with serine.
Molecular consequence: missense variant. On other transcripts: intron variant (1).
Genome position (GRCh38, 1-based): chr16:28,866,824, G>T. VCF-style: chr16-28866824-G-T. GRCh37 (hg19) VCF-style: chr16-28878145-G-T.
Other names: c.730G>T, p.Ala244Ser (NM_001145795.2, NM_001145796.2, NM_001145797.2 and 4 more transcripts); c.730G>T (NM_001145795.1); c.-26-550G>T (NM_001308294.2); short protein forms A244S.
Identifiers: ClinVar variation 3016719 (VCV003016719.4), dbSNP rs770809673, ClinGen allele CA7985995.

ClinVar aggregate classification (germline): Uncertain significance. Review status: criteria provided, multiple submitters, no conflicts (2 of 4 stars). 2 submissions from 2 submitters: Uncertain significance (2). Last evaluated 2025-11-26.

Conditions:
SH2B1-related disorder. Also called: SH2B1-related condition.

Allele frequency attached by ClinVar (database versions not stated): TOPMed 0.00001; ExAC 0.00002; gnomAD 0.00002; gnomAD exomes 0.00004.
gnomAD v4.1: 64 of 1,594,572 alleles (0.004%); highest among the groups gnomAD compares: Non-Finnish European, 0.005%; no homozygotes.

Submissions (2):

PreventionGenetics, part of Exact Sciences
Classification: Uncertain significance for SH2B1-related condition. Last evaluated: 2025-11-26. Review status: criteria provided, single submitter. Criteria: ACMG Guidelines, 2015. Collection method: clinical testing. Allele origin: germline.
Comment: The SH2B1 c.730G>T variant is predicted to result in the amino acid substitution p.Ala244Ser. To our knowledge, this variant has not been reported in the literature. This variant is reported in 0.0050% of alleles in individuals of European (Finnish) descent in gnomAD. At this time, the clinical significance of this variant is uncertain due to the absence of conclusive functional and genetic evidence.

Labcorp Genetics (formerly Invitae), Labcorp
Classification: Uncertain significance. Last evaluated: 2023-10-16. Review status: criteria provided, single submitter. Criteria: Invitae Variant Classification Sherloc (09022015). Collection method: clinical testing. Allele origin: germline.
Comment: This sequence change replaces alanine, which is neutral and non-polar, with serine, which is neutral and polar, at codon 244 of the SH2B1 protein (p.Ala244Ser). This variant is present in population databases (rs770809673, gnomAD 0.005%). This variant has not been reported in the literature in individuals affected with SH2B1-related conditions. Algorithms developed to predict the effect of missense changes on protein structure and function output the following: SIFT: "Not Available"; PolyPhen-2: "Benign"; Align-GVGD: "Not Available". The serine amino acid residue is found in multiple mammalian species, which suggests that this missense change does not adversely affect protein function. In summary, the available evidence is currently insufficient to determine the role of this variant in disease. Therefore, it has been classified as a Variant of Uncertain Significance.